The following is an entry in ClinVar:

NM_207122.1(EXT2):c.861_1173+5287del

Gene: EXT2 (exostosin glycosyltransferase 2; plus strand). Cytogenetic location: 11p11.2.
Variant type: Deletion.
Coding change: c.861_1173+5287del on transcript NM_207122.1; coding-DNA position 861 through 5287 bases into the intron after coding-DNA position 1173, this stretch deleted.
Other names: c.861_1173+5287del (LRG_494t2).
Identifiers: ClinVar variation 662037 (VCV000662037.1).

ClinVar aggregate classification (germline): Pathogenic (1 of 4 stars; one submission).

Conditions:
Exostoses, multiple, type 2 (EXT2). Also called: Hereditary Multiple Osteochondromatosis, Type II; EXOSTOSES, MULTIPLE, TYPE II. Identifiers: Orphanet 321, MedGen C1851413, MONDO:0007586, OMIM 133701.

Submission:

Labcorp Genetics (formerly Invitae), Labcorp
Classification: Pathogenic for Multiple exostoses type 2. Last evaluated: 2018-10-09. Review status: criteria provided, single submitter. Criteria: Invitae Variant Classification Sherloc (09022015). Collection method: clinical testing. Allele origin: germline.
Comment: This variant is a deletion of the genomic region encompassing exons 6-7 and part of exon 5 (c.861_1173+5287del) of the EXT2 gene. It is expected to disrupt RNA splicing and likely results in an absent or disrupted protein product. A similar deletion has been observed in an individual affected withÂ¬â€ hereditary multiple osteochondromatosisÂ¬â€ (PMID:Â¬â€ 22258776). Loss-of-function variants in EXT2 are known to be pathogenic (PMID: 19810120). For these reasons, this variant has been classified as Pathogenic.